The following is an entry in ClinVar:

ClinVar aggregate classification (germline): Uncertain significance (1 of 4 stars; one submission).

Submission:

Labcorp Genetics (formerly Invitae), Labcorp
Classification: Uncertain significance. Last evaluated: 2024-10-21. Review status: criteria provided, single submitter. Criteria: Invitae Variant Classification Sherloc (09022015). Collection method: clinical testing. Allele origin: germline.
Comment: This sequence change replaces valine, which is neutral and non-polar, with phenylalanine, which is neutral and non-polar, at codon 195 of the SLC1A2 protein (p.Val195Phe). This variant is not present in population databases (gnomAD no frequency). This variant has not been reported in the literature in individuals affected with SLC1A2-related conditions. ClinVar contains an entry for this variant (Variation ID: 1519716). Invitae Evidence Modeling of protein sequence and biophysical properties (such as structural, functional, and spatial information, amino acid conservation, physicochemical variation, residue mobility, and thermodynamic stability) indicates that this missense variant is not expected to disrupt SLC1A2 protein function with a negative predictive value of 80%. In summary, the available evidence is currently insufficient to determine the role of this variant in disease. Therefore, it has been classified as a Variant of Uncertain Significance.

NM_004171.4(SLC1A2):c.583G>T (p.Val195Phe)

Gene: SLC1A2 (solute carrier family 1 member 2; minus strand). Cytogenetic location: 11p13.
Variant type: single nucleotide variant.
Coding change: c.583G>T on transcript NM_004171.4 (MANE Select); coding-DNA position 583, G replaced by T.
Protein change: p.Val195Phe; replaces valine 195 with phenylalanine.
Molecular consequence: missense variant.
Genome position (GRCh38, 1-based): chr11:35,306,221, C>A on the plus strand (G>T on the coding strand, the complement: SLC1A2 is on the minus strand). VCF-style: chr11-35306221-C-A. GRCh37 (hg19) VCF-style: chr11-35327768-C-A.
Other names: c.556G>T, p.Val186Phe (NM_001195728.3, NM_001252652.2); short protein forms V186F, V195F.
Identifiers: ClinVar variation 1519716 (VCV001519716.8), dbSNP rs2134829418, ClinGen allele CA380127986.